The following is an entry in ClinVar:

ClinVar aggregate classification (germline): Likely pathogenic (1 of 4 stars; one submission).

Conditions:
Pheochromocytoma/paraganglioma syndrome 5. Also called: Paragangliomas 5; SDHA-Related Hereditary Paraganglioma-Pheochromocytoma Syndrome. Identifiers: Orphanet 29072, MedGen C3279992, MONDO:0013602, OMIM 614165.

Submission:

Myriad Genetics, Inc.
Classification: Likely pathogenic for Pheochromocytoma/paraganglioma syndrome 5. Last evaluated: 2026-09-16. Review status: criteria provided, single submitter. Criteria: Myriad Autosomal Dominant, Autosomal Recessive and X-Linked Classification Criteria (2023). Collection method: clinical testing. Allele origin: unknown.
Comment: This variant is considered likely pathogenic. This variant creates a frameshift predicted to result in premature protein truncation.

NM_004168.4(SDHA):c.1788del (p.Tyr597fs)

Gene: SDHA (succinate dehydrogenase complex flavoprotein subunit A; plus strand). Cytogenetic location: 5p15.33.
Variant type: Deletion.
Coding change: c.1788del on transcript NM_004168.4 (MANE Select); coding-DNA position 1788, one base deleted (C; older notation c.1788delC).
Protein change: p.Tyr597fs; shifts the reading frame from tyrosine 597.
Molecular consequence: frameshift variant. On other transcripts: intron variant (1).
Genome position (GRCh38, 1-based): chr5:251,462, C deleted. VCF-style (leftmost placement, unchanged base first): chr5-251461-AC-A. GRCh37 (hg19) VCF-style: chr5-251576-AC-A.
Other names: c.1644del, p.Tyr549fs (NM_001294332.2); c.1552-2931del (NM_001330758.2); short protein forms Y549fs, Y597fs.
Identifiers: ClinVar variation 5042293 (VCV005042293.1).